The following is an entry in ClinVar:

NM_007363.5(NONO):c.1281+3_1281+4insT

Gene: NONO (non-POU domain containing octamer binding; plus strand). Cytogenetic location: Xq13.1.
Variant type: Insertion.
Coding change: c.1281+3_1281+4insT on transcript NM_007363.5 (MANE Select); bases 3 to 4 of the intron after coding-DNA position 1281, T inserted.
Molecular consequence: intron variant.
Genome position: GRCh38 VCF-style: chrX-71298819-A-AT. GRCh37 (hg19) VCF-style: chrX-70518669-A-AT.
Other names: c.1281+3_1281+4insT (NM_001145408.2, NM_001145409.2); c.1014+3_1014+4insT (NM_001145410.2).
Identifiers: ClinVar variation 3372228 (VCV003372228.1).

ClinVar aggregate classification (germline): Uncertain significance (1 of 4 stars; one submission).

Submission:

GeneDx
Classification: Uncertain significance. Last evaluated: 2024-04-12. Review status: criteria provided, single submitter. Criteria: GeneDx Variant Classification Process June 2021. Collection method: clinical testing. Allele origin: germline. Affected: yes.
Comment: Not observed at significant frequency in large population cohorts (gnomAD); Has not been previously published as pathogenic or benign to our knowledge